The following is an entry in ClinVar:

NM_001267550.2(TTN):c.63613A>G (p.Lys21205Glu)

Genes: TTN (titin; minus strand), TTN-AS1 (TTN antisense RNA 1; plus strand). Cytogenetic location: 2q31.2.
Variant type: single nucleotide variant.
Coding change: c.63613A>G on transcript NM_001267550.2 (MANE Select); coding-DNA position 63613, A replaced by G.
Protein change: p.Lys21205Glu; replaces lysine 21205 with glutamic acid.
Molecular consequence: missense variant.
Genome position (GRCh38, 1-based): chr2:178,587,696, T>C on the plus strand (A>G on the coding strand, the complement: TTN is on the minus strand). VCF-style: chr2-178587696-T-C. GRCh37 (hg19) VCF-style: chr2-179452423-T-C.
Other names: c.58690A>G, p.Lys19564Glu (NM_001256850.1); c.36418A>G, p.Lys12140Glu (NM_003319.4); c.55909A>G, p.Lys18637Glu (NM_133378.4); c.36793A>G, p.Lys12265Glu (NM_133432.3); c.36994A>G, p.Lys12332Glu (NM_133437.4); c.63613A>G (NM_001267550.1); short protein forms K21205E, K18637E, K12140E, K12332E, K12265E, K19564E.
Identifiers: ClinVar variation 195924 (VCV000195924.9), dbSNP rs794727409, ClinGen allele CA242617.
Genomic context (GRCh38, chr2:178,587,696, plus strand): 5'-CCAGATCAACTTGTCCTTTTCTGACCACATTATCAATGCCAACTTTTCGCCAAGTGACTT[T>C]AGGGGCTGGTCGTCCTCTCACTATAGCAAAGAGACGAATAGGGCATCCTGCTCTCACTAT-3'
Protein context (NP_001254479.2, residues 21195-21215): FAIVRGRPAP[Lys21205Glu]VTWRKVGIDN

ClinVar aggregate classification (germline): Uncertain significance. Review status: criteria provided, multiple submitters, no conflicts (2 of 4 stars). 3 submissions from 3 submitters: Uncertain significance (3). Last evaluated 2023-02-13.

Allele frequency attached by ClinVar (database versions not stated): gnomAD exomes below 0.00001 and 0.00001; gnomAD 0.00002; TOPMed 0.00002.
gnomAD v4.1: 10 of 1,612,830 alleles (0.00062%); highest among the groups gnomAD compares: Admixed American, 0.0017%; no homozygotes.

Submissions (3):

GeneDx
Classification: Uncertain significance. Last evaluated: 2023-02-13. Review status: criteria provided, single submitter. Criteria: GeneDx Variant Classification Process June 2021. Collection method: clinical testing. Allele origin: germline. Affected: yes.
Comment: Not observed at significant frequency in large population cohorts (gnomAD); Missense variant in a gene in which most reported pathogenic variants are truncating/loss of function; Has not been previously published as pathogenic or benign to our knowledge

Revvity Omics, Revvity
Classification: Uncertain significance. Last evaluated: 2019-07-18. Review status: criteria provided, single submitter. Criteria: ACMG Guidelines, 2015. Collection method: clinical testing. Allele origin: germline.

Eurofins Ntd Llc (ga)
Classification: Uncertain significance. Last evaluated: 2018-01-24. Review status: criteria provided, single submitter. Criteria: EGL Classification Definitions 2015. Collection method: clinical testing. Allele origin: germline. Observed: 2 variant alleles, 2 heterozygotes.